The following is an entry in ClinVar:

NM_007194.4(CHEK2):c.953G>C (p.Arg318Pro)

Gene: CHEK2 (checkpoint kinase 2; minus strand). Cytogenetic location: 22q12.1.
Variant type: single nucleotide variant.
Coding change: c.953G>C on transcript NM_007194.4 (MANE Select); coding-DNA position 953, G replaced by C.
Protein change: p.Arg318Pro; replaces arginine 318 with proline.
Molecular consequence: missense variant.
Genome position (GRCh38, 1-based): chr22:28,699,893, C>G on the plus strand (G>C on the coding strand, the complement: CHEK2 is on the minus strand). VCF-style: chr22-28699893-C-G. GRCh37 (hg19) VCF-style: chr22-29095881-C-G.
Other names: c.1082G>C, p.Arg361Pro (NM_001005735.3); c.290G>C, p.Arg97Pro (NM_001257387.3); c.752G>C, p.Arg251Pro (NM_001349956.3); c.953G>C, p.Arg318Pro (NM_145862.3); short protein forms R318P, R251P, R361P, R97P.
Identifiers: ClinVar variation 530137 (VCV000530137.11), dbSNP rs143611747, ClinGen allele CA411099862.
Genomic context (GRCh38, chr22:28,699,893, plus strand): 5'-TTTACCTGCACAGCCAAGAGCATCTGGTAAAAATAGAGCTTGCAGGTAGCTTCTTTCAGG[C>G]GTTTATTCCCCACCACTTTGTCAAACAGCTCTCCCCCTTCCATCCTGAAACACAAAGGCA-3'
Protein context (NP_009125.1, residues 308-328): ELFDKVVGNK[Arg318Pro]LKEATCKLYF

ClinVar aggregate classification (germline): Uncertain significance. Review status: criteria provided, multiple submitters, no conflicts (2 of 4 stars). 2 submissions from 2 submitters: Uncertain significance (2). Last evaluated 2025-09-03.

Conditions:
Familial cancer of breast. Also called: BREAST CANCER, FAMILIAL; Hereditary breast cancer; hereditary breast carcinoma. Identifiers: Orphanet 227535, MedGen C0346153, MONDO:0016419, OMIM 114480. Disease mechanism: loss of function.
Hereditary cancer-predisposing syndrome. Also called: Hereditary neoplastic syndrome; Neoplastic Syndromes, Hereditary; Hereditary Cancer Syndrome; Tumor predisposition. Identifiers: Orphanet 140162, MedGen C0027672, MeSH D009386, MONDO:0015356.

gnomAD v4.1: 2 of 1,614,054 alleles (0.00012%); highest among the groups gnomAD compares: Non-Finnish European, 0.00017%; no homozygotes.

Submissions (2):

Labcorp Genetics (formerly Invitae), Labcorp
Classification: Uncertain significance for Familial cancer of breast. Last evaluated: 2025-09-03. Review status: criteria provided, single submitter. Criteria: Invitae Variant Classification Sherloc (09022015). Collection method: clinical testing. Allele origin: germline.
Comment: This sequence change replaces arginine, which is basic and polar, with proline, which is neutral and non-polar, at codon 318 of the CHEK2 protein (p.Arg318Pro). This variant is present in population databases (no rsID available, gnomAD 0.0009%). This variant has not been reported in the literature in individuals affected with CHEK2-related conditions. ClinVar contains an entry for this variant (Variation ID: 530137). An algorithm developed to predict the effect of missense changes on protein structure and function (PolyPhen-2) suggests that this variant is likely to be disruptive. In summary, the available evidence is currently insufficient to determine the role of this variant in disease. Therefore, it has been classified as a Variant of Uncertain Significance.

Ambry Genetics
Classification: Uncertain significance for Hereditary cancer-predisposing syndrome. Last evaluated: 2024-12-02. Review status: criteria provided, single submitter. Criteria: Ambry Variant Classification Scheme 2023. Collection method: clinical testing. Allele origin: germline.
Comment: The p.R318P variant (also known as c.953G>C), located in coding exon 8 of the CHEK2 gene, results from a G to C substitution at nucleotide position 953. The arginine at codon 318 is replaced by proline, an amino acid with dissimilar properties. This amino acid position is not well conserved in available vertebrate species. In addition, the in silico prediction for this alteration is inconclusive. Based on the available evidence, the clinical significance of this variant remains unclear.